The following is an entry in ClinVar:

NM_018418.5(SPATA7):c.494G>A (p.Ser165Asn)

Gene: SPATA7 (spermatogenesis associated 7; plus strand). Cytogenetic location: 14q31.3.
Variant type: single nucleotide variant.
Coding change: c.494G>A on transcript NM_018418.5 (MANE Select); coding-DNA position 494, G replaced by A.
Protein change: p.Ser165Asn; replaces serine 165 with asparagine.
Molecular consequence: missense variant.
Genome position (GRCh38, 1-based): chr14:88,426,353, G>A. VCF-style: chr14-88426353-G-A. GRCh37 (hg19) VCF-style: chr14-88892697-G-A.
Other names: c.398G>A, p.Ser133Asn (NM_001040428.4); short protein forms S165N, S133N.
Identifiers: ClinVar variation 314782 (VCV000314782.16), dbSNP rs17124662, ClinGen allele CA7298540.

ClinVar aggregate classification (germline): Benign/Likely benign. Review status: criteria provided, multiple submitters, no conflicts (2 of 4 stars). 6 submissions from 5 submitters: Benign (4); Likely benign (2). Last evaluated 2026-02-04.

Conditions:
Leber congenital amaurosis 3 (LCA3). Also called: SPATA7-Related Retinitis Pigmentosa. Identifiers: MedGen C1858677, MONDO:0011415, OMIM 604232.
Retinitis pigmentosa (RP). Identifiers: Orphanet 791, MedGen C0035334, MeSH D012174, MONDO:0019200, OMIM 268000. Inheritance: Autosomal dominant, autosomal recessive and X linked inheritance.

Allele frequency attached by ClinVar (database versions not stated): gnomAD 0.03554 and 0.03831; 1000 Genomes Project 0.03874; TOPMed 0.04049; 1000 Genomes Project 30x 0.04154; ESP Exome Variant Server 0.04390.
gnomAD v4.1: 10,477 of 1,614,054 alleles (0.65%); highest among the groups gnomAD compares: African/African-American, 12%; 575 homozygotes.

Submissions (6):

Labcorp Genetics (formerly Invitae), Labcorp
Classification: Benign for Leber congenital amaurosis 3. Last evaluated: 2026-02-04. Review status: criteria provided, single submitter. Criteria: Invitae Variant Classification Sherloc (09022015). Collection method: clinical testing. Allele origin: germline.

Women's Health and Genetics/Laboratory Corporation of America, LabCorp
Classification: Likely benign. Last evaluated: 2021-12-10. Review status: criteria provided, single submitter. Criteria: LabCorp Variant Classification Summary - May 2015. Collection method: clinical testing. Allele origin: germline.

GeneDx
Classification: Benign. Last evaluated: 2020-11-02. Review status: criteria provided, single submitter. Criteria: GeneDx Variant Classification Process June 2021. Collection method: clinical testing. Allele origin: germline. Affected: yes.
Comment: This variant is associated with the following publications: (PMID: 30924900)

Illumina Laboratory Services, Illumina
Classification: Benign for Leber congenital amaurosis 3. Last evaluated: 2018-01-13. Review status: criteria provided, single submitter. Criteria: ICSL Variant Classification Criteria 13 December 2019. Collection method: clinical testing. Allele origin: germline.
Comment: This variant was observed in the ICSL laboratory as part of a predisposition screen in an ostensibly healthy population. It had not been previously curated by ICSL or reported in the Human Gene Mutation Database (HGMD: prior to June 1st, 2018), and was therefore a candidate for classification through an automated scoring system. Utilizing variant allele frequency, disease prevalence and penetrance estimates, and inheritance mode, an automated score was calculated to assess if this variant is too frequent to cause the disease. Based on the score and internal cut-off values, a variant classified as benign is not then subjected to further curation. The score for this variant resulted in a classification of benign for this disease.

Illumina Laboratory Services, Illumina
Classification: Benign for Retinitis pigmentosa. Last evaluated: 2018-01-13. Review status: criteria provided, single submitter. Criteria: ICSL Variant Classification Criteria 13 December 2019. Collection method: clinical testing. Allele origin: germline.
Comment: the same text as in the submission from Illumina Laboratory Services, Illumina above.

Breakthrough Genomics
Classification: Likely benign. Review status: criteria provided, single submitter. Criteria: ACMG Guidelines, 2015. Collection method: not provided. Allele origin: germline. Inheritance: Autosomal recessive inheritance. Affected: yes.